The following is an entry in ClinVar:

NM_000416.3(IFNGR1):c.152A>G (p.Gln51Arg)

Gene: IFNGR1 (interferon gamma receptor 1; minus strand). Cytogenetic location: 6q23.3.
Variant type: single nucleotide variant.
Coding change: c.152A>G on transcript NM_000416.3 (MANE Select); coding-DNA position 152, A replaced by G.
Protein change: p.Gln51Arg; replaces glutamine 51 with arginine.
Molecular consequence: missense variant.
Genome position (GRCh38, 1-based): chr6:137,207,011, T>C on the plus strand (A>G on the coding strand, the complement: IFNGR1 is on the minus strand). VCF-style: chr6-137207011-T-C. GRCh37 (hg19) VCF-style: chr6-137528148-T-C.
Other names: c.122A>G, p.Gln41Arg (NM_001363526.1); c.29A>G, p.Gln10Arg (NM_001363527.1); short protein forms Q41R, Q10R, Q51R.
Identifiers: ClinVar variation 1386635 (VCV001386635.6), dbSNP rs375024435, ClinGen allele CA4019040.

ClinVar aggregate classification (germline): Uncertain significance (1 of 4 stars; one submission).

Conditions:
Disseminated atypical mycobacterial infection. Identifiers: MedGen C0694566.

Allele frequency attached by ClinVar (database versions not stated): gnomAD 0.00001; gnomAD exomes 0.00006 and 0.00002; ESP Exome Variant Server 0.00008; TOPMed 0.00001; ExAC 0.00002.
gnomAD v4.1: 89 of 1,613,774 alleles (0.0055%); highest among the groups gnomAD compares: Non-Finnish European, 0.0075%; no homozygotes.

Submission:

Labcorp Genetics (formerly Invitae), Labcorp
Classification: Uncertain significance for Disseminated atypical mycobacterial infection. Last evaluated: 2024-04-11. Review status: criteria provided, single submitter. Criteria: Invitae Variant Classification Sherloc (09022015). Collection method: clinical testing. Allele origin: germline.
Comment: This sequence change replaces glutamine, which is neutral and polar, with arginine, which is basic and polar, at codon 51 of the IFNGR1 protein (p.Gln51Arg). This variant is present in population databases (rs375024435, gnomAD 0.004%). This variant has not been reported in the literature in individuals affected with IFNGR1-related conditions. ClinVar contains an entry for this variant (Variation ID: 1386635). Advanced modeling of protein sequence and biophysical properties (such as structural, functional, and spatial information, amino acid conservation, physicochemical variation, residue mobility, and thermodynamic stability) performed at Invitae indicates that this missense variant is not expected to disrupt IFNGR1 protein function with a negative predictive value of 80%. In summary, the available evidence is currently insufficient to determine the role of this variant in disease. Therefore, it has been classified as a Variant of Uncertain Significance.